The following is an entry in ClinVar:

NM_032930.3(CFAP300):c.610G>T (p.Val204Phe)

Gene: CFAP300 (cilia and flagella associated protein 300; plus strand). Cytogenetic location: 11q22.1.
Variant type: single nucleotide variant.
Coding change: c.610G>T on transcript NM_032930.3 (MANE Select); coding-DNA position 610, G replaced by T.
Protein change: p.Val204Phe; replaces valine 204 with phenylalanine.
Molecular consequence: missense variant. On other transcripts: intron variant (1).
Genome position (GRCh38, 1-based): chr11:102,081,216, G>T. VCF-style: chr11-102081216-G-T. GRCh37 (hg19) VCF-style: chr11-101951947-G-T.
Other names: c.604-1855G>T (NM_001363505.2); short protein forms V204F.
Identifiers: ClinVar variation 1681465 (VCV001681465.6), dbSNP rs780254838, ClinGen allele CA6246070.
Genomic context (GRCh38, chr11:102,081,216, plus strand): 5'-TTAAATGTATATGCCAATGCCTATTATATGTTAAAAGCACCTTTTCTTCCTTTTTTTAGT[G>T]TTCGAAAGAATCCTCAAACCAAGAAAATACAGATTACCTCTTCTGTCTTTAAAGTTTCAG-3'
Protein context (NP_116319.2, residues 194-214): TKLIYKDLVS[Val204Phe]RKNPQTKKIQ

ClinVar aggregate classification (germline): Uncertain significance (1 of 4 stars; one submission).

Allele frequency attached by ClinVar (database versions not stated): ExAC 0.00003; gnomAD 0.00001; gnomAD exomes 0.00001; TOPMed 0.00002.
gnomAD v4.1: 45 of 1,603,652 alleles (0.0028%); highest among the groups gnomAD compares: Non-Finnish European, 0.0036%; no homozygotes.

Submissions (2):

Labcorp Genetics (formerly Invitae), Labcorp
Classification: Uncertain significance. Last evaluated: 2021-08-05. Review status: criteria provided, single submitter. Criteria: Invitae Variant Classification Sherloc (09022015). Collection method: clinical testing. Allele origin: germline.
Comment: In summary, the available evidence is currently insufficient to determine the role of this variant in disease. Therefore, it has been classified as a Variant of Uncertain Significance. Algorithms developed to predict the effect of missense changes on protein structure and function (SIFT, PolyPhen-2, Align-GVGD) all suggest that this variant is likely to be disruptive. This variant has not been reported in the literature in individuals affected with C11orf70-related conditions. This variant is present in population databases (rs780254838, ExAC 0.005%). This sequence change replaces valine with phenylalanine at codon 204 of the C11orf70 protein (p.Val204Phe). The valine residue is highly conserved and there is a small physicochemical difference between valine and phenylalanine.

Dr. Peter K. Rogan Lab, Western University
No classification provided (evidence only). Condition: Lung cancer. Review status: no classification provided. Collection method: in vitro. Allele origin: not applicable. Functional consequence: retained intron. Not counted in ClinVar's aggregate classification.